The following is an entry in ClinVar:

ClinVar aggregate classification (germline): Pathogenic. Review status: criteria provided, single submitter (1 of 4 stars). 2 submissions from 2 submitters: Pathogenic (1). 1 of the submissions does not count toward it. Last evaluated 2020-02-03.

Conditions:
BBS7-related disorder. Also called: BBS7-related condition.
Bardet-Biedl syndrome (BBS). Identifiers: Orphanet 110, MedGen C0752166, MONDO:0015229.

Submissions (2):

Labcorp Genetics (formerly Invitae), Labcorp
Classification: Pathogenic for Bardet-Biedl syndrome. Last evaluated: 2020-02-03. Review status: criteria provided, single submitter. Criteria: Invitae Variant Classification Sherloc (09022015). Collection method: clinical testing. Allele origin: germline.
Comment: Loss-of-function variants in BBS7 are known to be pathogenic (PMID: 12567324). This variant has not been reported in the literature in individuals with BBS7-related conditions. This variant is not present in population databases (ExAC no frequency). This sequence change creates a premature translational stop signal (p.Pro163Leufs*18) in the BBS7 gene. It is expected to result in an absent or disrupted protein product. For these reasons, this variant has been classified as Pathogenic.

PreventionGenetics, part of Exact Sciences
Classification: Likely pathogenic for BBS7-related condition. Last evaluated: 2023-11-15. Review status: no assertion criteria provided. Collection method: clinical testing. Allele origin: germline. Not counted in ClinVar's aggregate classification.
Comment: The BBS7 c.488delC variant is predicted to result in a frameshift and premature protein termination (p.Pro163Leufs*18). To our knowledge, this variant has not been reported in the literature or a large population database, indicating this variant is rare. Frameshift variants in BBS7 are expected to be pathogenic. This variant is interpreted as likely pathogenic.

Literature cited by the submitters: PubMed 12567324 (cited by Labcorp Genetics (formerly Invitae), Labcorp).

NM_176824.3(BBS7):c.488del (p.Pro163fs)

Gene: BBS7 (Bardet-Biedl syndrome 7; minus strand). Cytogenetic location: 4q27.
Variant type: Deletion.
Coding change: c.488del on transcript NM_176824.3 (MANE Select); coding-DNA position 488, one base deleted (C; older notation c.488delC).
Protein change: p.Pro163fs; shifts the reading frame from proline 163.
Molecular consequence: frameshift variant.
Genome position (GRCh38, 1-based): chr4:121,859,032, G deleted on the plus strand (C on the coding strand, the reverse complement: BBS7 is on the minus strand); the first of 2 consecutive G bases (chr4:121,859,032-121,859,033); deleting either gives the same sequence. VCF-style (leftmost placement, unchanged base first): chr4-121859031-AG-A. GRCh37 (hg19) VCF-style: chr4-122780186-AG-A.
Other names: c.488del, p.Pro163fs (NM_018190.4); c.488delC (NM_176824.2); short protein forms P163fs.
Identifiers: ClinVar variation 1069619 (VCV001069619.6), dbSNP rs2149084861, ClinGen allele CA2499217066.